The following is an entry in ClinVar:

ClinVar aggregate classification (germline): Benign (1 of 4 stars; one submission).

Conditions:
Lynch syndrome 5 (LYNCH5). Also called: Colorectal cancer, hereditary nonpolyposis, type 5; Hereditary non-polyposis colorectal cancer, type 5. Identifiers: Orphanet 144, MedGen C1833477, MONDO:0013710, OMIM 614350. Disease mechanism: loss of function.

Submission:

Myriad Genetics, Inc.
Classification: Benign for Lynch syndrome 5. Last evaluated: 2024-12-18. Review status: criteria provided, single submitter. Criteria: Myriad Autosomal Dominant, Autosomal Recessive and X-Linked Classification Criteria (2023). Collection method: clinical testing. Allele origin: unknown.
Comment: This variant is considered benign. This variant is a silent/synonymous amino acid change and it is not expected to impact splicing.

NM_000179.3(MSH6):c.436A>C (p.Arg146=)

Gene: MSH6 (mutS homolog 6; plus strand). Cytogenetic location: 2p16.3.
Variant type: single nucleotide variant.
Coding change: c.436A>C on transcript NM_000179.3 (MANE Select); coding-DNA position 436, A replaced by C.
Protein change: p.Arg146=; no amino-acid change (arginine 146 retained).
Molecular consequence: synonymous variant. On other transcripts: 5 prime UTR variant (7), non-coding transcript variant (5), intron variant (6).
Genome position (GRCh38, 1-based): chr2:47,791,102, A>C. VCF-style: chr2-47791102-A-C. GRCh37 (hg19) VCF-style: chr2-48018241-A-C.
Other names: c.-301A>C (NM_001281493.2, NM_001406811.1, NM_001406823.1 and 1 more transcripts); c.-467A>C (NM_001281494.2); c.532A>C, p.Arg178= (NM_001406795.1, NM_001406802.1); c.436A>C, p.Arg146= (NM_001406796.1, NM_001406798.1, NM_001406800.1 and 6 more transcripts); c.139A>C, p.Arg47= (NM_001406797.1, NM_001406801.1, NM_001406805.1 and 10 more transcripts); c.358A>C, p.Arg120= (NM_001406804.1); c.-493A>C (NM_001406807.1); c.-559A>C (NM_001406814.1); and 5 more.
Identifiers: ClinVar variation 3904070 (VCV003904070.1).